The following is an entry in ClinVar:

NM_005559.4(LAMA1):c.4241C>T (p.Pro1414Leu)

Gene: LAMA1 (laminin subunit alpha 1; minus strand). Cytogenetic location: 18p11.31.
Variant type: single nucleotide variant.
Coding change: c.4241C>T on transcript NM_005559.4 (MANE Select); coding-DNA position 4241, C replaced by T.
Protein change: p.Pro1414Leu; replaces proline 1414 with leucine.
Molecular consequence: missense variant.
Genome position (GRCh38, 1-based): chr18:7,007,158, G>A on the plus strand (C>T on the coding strand, the complement: LAMA1 is on the minus strand). VCF-style: chr18-7007158-G-A. GRCh37 (hg19) VCF-style: chr18-7007157-G-A.
Other names: short protein forms P1414L.
Identifiers: ClinVar variation 2579493 (VCV002579493.3), dbSNP rs556268968, ClinGen allele CA8881983.

ClinVar aggregate classification (germline): Uncertain significance. Review status: criteria provided, multiple submitters, no conflicts (2 of 4 stars). 2 submissions from 2 submitters: Uncertain significance (2). Last evaluated 2023-09-14.

Conditions:
Inborn genetic diseases. Identifiers: MedGen C0950123, MeSH D030342.

Allele frequency attached by ClinVar (database versions not stated): gnomAD exomes 0.00001.
gnomAD v4.1: 15 of 1,613,964 alleles (0.00093%); highest among the groups gnomAD compares: East Asian, 0.031%; no homozygotes.

Submissions (2):

Ambry Genetics
Classification: Uncertain significance for Inborn genetic diseases. Last evaluated: 2023-09-14. Review status: criteria provided, single submitter. Criteria: Ambry Variant Classification Scheme 2023. Collection method: clinical testing. Allele origin: germline.

GeneDx
Classification: Uncertain significance. Last evaluated: 2023-02-16. Review status: criteria provided, single submitter. Criteria: GeneDx Variant Classification Process June 2021. Collection method: clinical testing. Allele origin: germline. Affected: yes.
Comment: In silico analysis supports that this missense variant has a deleterious effect on protein structure/function; Has not been previously published as pathogenic or benign to our knowledge